The following is an entry in ClinVar:

ClinVar aggregate classification (germline): Likely benign (1 of 4 stars; one submission).

Conditions:
DAB1-related disorder. Also called: DAB1-related condition.

gnomAD v4.1: 86 of 1,610,158 alleles (0.0053%); highest among the groups gnomAD compares: East Asian, 0.18%; no homozygotes.

Submission:

PreventionGenetics, part of Exact Sciences
Classification: Likely benign for DAB1-related condition. Last evaluated: 2025-04-24. Review status: criteria provided, single submitter. Criteria: ACMG Guidelines, 2015. Collection method: clinical testing. Allele origin: germline.
Comment: This variant is classified as likely benign based on ACMG/AMP sequence variant interpretation guidelines (Richards et al. 2015 PMID: 25741868, with internal and published modifications).

NM_001365792.1(DAB1):c.1445-10C>T

Gene: DAB1 (DAB adaptor protein 1; minus strand). Cytogenetic location: 1p32.2.
Variant type: single nucleotide variant.
Coding change: c.1445-10C>T on transcript NM_001365792.1 (MANE Select); 10 bases into the intron before coding-DNA position 1445, C replaced by T.
Molecular consequence: intron variant.
Genome position (GRCh38, 1-based): chr1:57,011,282, G>A on the plus strand (C>T on the coding strand, the complement: DAB1 is on the minus strand). VCF-style: chr1-57011282-G-A. GRCh37 (hg19) VCF-style: chr1-57476955-G-A.
Other names: c.1439-10C>T (NM_001379461.1, NM_001353986.2); c.1445-10C>T (NM_021080.5, NM_001379462.1, NM_001353983.2 and 2 more transcripts).
Identifiers: ClinVar variation 4987777 (VCV004987777.1).